The following is an entry in ClinVar:

ClinVar aggregate classification (germline): Uncertain significance (1 of 4 stars; one submission).

Conditions:
Congenital myasthenic syndrome 8. Also called: Myasthenic syndrome, congenital, 8, with pre- and postsynaptic defects; MYASTHENIC SYNDROME, CONGENITAL, DUE TO AGRIN DEFICIENCY. Identifiers: Orphanet 590, MedGen C3808739, MONDO:0014052, OMIM 615120.

Submission:

Labcorp Genetics (formerly Invitae), Labcorp
Classification: Uncertain significance for Congenital myasthenic syndrome 8. Last evaluated: 2023-12-19. Review status: criteria provided, single submitter. Criteria: Invitae Variant Classification Sherloc (09022015). Collection method: clinical testing. Allele origin: germline.
Comment: This sequence change replaces alanine, which is neutral and non-polar, with aspartic acid, which is acidic and polar, at codon 1269 of the AGRN protein (p.Ala1269Asp). This variant is not present in population databases (gnomAD no frequency). This variant has not been reported in the literature in individuals affected with AGRN-related conditions. An algorithm developed to predict the effect of missense changes on protein structure and function (PolyPhen-2) suggests that this variant is likely to be disruptive. In summary, the available evidence is currently insufficient to determine the role of this variant in disease. Therefore, it has been classified as a Variant of Uncertain Significance.

NM_198576.4(AGRN):c.3806C>A (p.Ala1269Asp)

Gene: AGRN (agrin; plus strand). Cytogenetic location: 1p36.33.
Variant type: single nucleotide variant.
Coding change: c.3806C>A on transcript NM_198576.4 (MANE Select); coding-DNA position 3806, C replaced by A.
Protein change: p.Ala1269Asp; replaces alanine 1269 with aspartic acid.
Molecular consequence: missense variant.
Genome position (GRCh38, 1-based): chr1:1,048,066, C>A. VCF-style: chr1-1048066-C-A. GRCh37 (hg19) VCF-style: chr1-983446-C-A.
Other names: c.3806C>A, p.Ala1269Asp (NM_001305275.2); c.3491C>A, p.Ala1164Asp (NM_001364727.2); short protein forms A1164D, A1269D.
Identifiers: ClinVar variation 2759199 (VCV002759199.3), dbSNP rs1291498935, ClinGen allele CA337852405.